The following is an entry in ClinVar:

ClinVar aggregate classification (germline): Uncertain significance (1 of 4 stars; one submission).

Submission:

GeneDx
Classification: Uncertain significance. Last evaluated: 2023-12-14. Review status: criteria provided, single submitter. Criteria: GeneDx Variant Classification Process June 2021. Collection method: clinical testing. Allele origin: germline. Affected: yes.
Comment: Not observed at significant frequency in large population cohorts (gnomAD); Has not been previously published as pathogenic or benign to our knowledge; Frameshift variant predicted to result in protein truncation or nonsense mediated decay in a gene for which loss of function is a known mechanism of disease

NM_002267.4(KPNA3):c.180del (p.Asp61fs)

Gene: KPNA3 (karyopherin subunit alpha 3; minus strand). Cytogenetic location: 13q14.2.
Variant type: Deletion.
Coding change: c.180del on transcript NM_002267.4 (MANE Select); coding-DNA position 180, one base deleted (A; older notation c.180delA).
Protein change: p.Asp61fs; shifts the reading frame from aspartic acid 61.
Molecular consequence: frameshift variant.
Genome position (GRCh38, 1-based): chr13:49,732,981, T deleted on the plus strand (A on the coding strand, the reverse complement: KPNA3 is on the minus strand). VCF-style (leftmost placement, unchanged base first): chr13-49732980-CT-C. GRCh37 (hg19) VCF-style: chr13-50307116-CT-C.
Other names: short protein forms D61fs.
Identifiers: ClinVar variation 3365501 (VCV003365501.1).